The following is an entry in ClinVar:

NM_007194.4(CHEK2):c.445-7A>G

Gene: CHEK2 (checkpoint kinase 2; minus strand). Cytogenetic location: 22q12.1.
Variant type: single nucleotide variant.
Coding change: c.445-7A>G on transcript NM_007194.4 (MANE Select); 7 bases into the intron before coding-DNA position 445, A replaced by G.
Molecular consequence: intron variant.
Genome position (GRCh38, 1-based): chr22:28,725,131, T>C on the plus strand (A>G on the coding strand, the complement: CHEK2 is on the minus strand). VCF-style: chr22-28725131-T-C. GRCh37 (hg19) VCF-style: chr22-29121119-T-C.
Other names: c.-219-7A>G (NM_001437942.1); c.444+112A>G (NM_001349956.3); c.445-7A>G (NM_145862.3); c.-333-7A>G (NM_001257387.3); c.538-7A>G (NM_001438295.1, NM_001438293.1); c.574-7A>G (NM_001438294.1, NM_001005735.3).
Identifiers: ClinVar variation 799231 (VCV000799231.10), dbSNP rs1601824377, ClinGen allele CA915952740.
Genomic context (GRCh38, chr22:28,725,131, plus strand): 5'-ATTGCCACTGTGATCTTCTATGTATGCAATGTAAGAGTTTTTAGGACCCACTTCCTAAAA[T>C]AGAGAACATTTTGTTTCAGACTTTGAATAGCAGAGATTTATAGTGGGAAAATATCTAAAA-3'

ClinVar aggregate classification (germline): Likely benign. Review status: criteria provided, multiple submitters, no conflicts (2 of 4 stars). 2 submissions from 2 submitters: Likely benign (2). Last evaluated 2024-10-02.

Conditions:
Familial cancer of breast. Also called: hereditary breast carcinoma; BREAST CANCER, FAMILIAL; Hereditary breast cancer. Identifiers: Orphanet 227535, MedGen C0346153, MONDO:0016419, OMIM 114480. Disease mechanism: loss of function.

Submissions (2):

Myriad Genetics, Inc.
Classification: Likely benign for Familial cancer of breast. Last evaluated: 2024-10-02. Review status: criteria provided, single submitter. Criteria: Myriad Autosomal Dominant, Autosomal Recessive and X-Linked Classification Criteria (2023). Collection method: clinical testing. Allele origin: unknown.
Comment: This variant is considered likely benign. This variant is intronic and is not expected to impact mRNA splicing.

Labcorp Genetics (formerly Invitae), Labcorp
Classification: Likely benign for Familial cancer of breast. Last evaluated: 2022-09-08. Review status: criteria provided, single submitter. Criteria: Invitae Variant Classification Sherloc (09022015). Collection method: clinical testing. Allele origin: germline.